The following is an entry in ClinVar:

ClinVar aggregate classification (germline): Uncertain significance (1 of 4 stars; one submission).

Submission:

GeneDx
Classification: Uncertain significance. Last evaluated: 2025-05-07. Review status: criteria provided, single submitter. Criteria: GeneDx Variant Classification Process June 2021. Collection method: clinical testing. Allele origin: germline. Affected: yes.
Comment: Not observed at significant frequency in large population cohorts (gnomAD); In silico analysis suggests that this missense variant does not alter protein structure/function; Has not been previously published as pathogenic or benign to our knowledge

NM_015178.3(RHOBTB2):c.1513A>C (p.Ile505Leu)

Gene: RHOBTB2 (Rho related BTB domain containing 2; plus strand). Cytogenetic location: 8p21.3.
Variant type: single nucleotide variant.
Coding change: c.1513A>C on transcript NM_015178.3 (MANE Select); coding-DNA position 1513, A replaced by C.
Protein change: p.Ile505Leu; replaces isoleucine 505 with leucine.
Molecular consequence: missense variant.
Genome position (GRCh38, 1-based): chr8:23,008,004, A>C. VCF-style: chr8-23008004-A-C. GRCh37 (hg19) VCF-style: chr8-22865517-A-C.
Other names: c.1579A>C, p.Ile527Leu (NM_001160036.2); c.1534A>C, p.Ile512Leu (NM_001160037.2); c.1513A>C, p.Ile505Leu (NM_001374791.1); short protein forms I505L, I512L, I527L.
Identifiers: ClinVar variation 4527979 (VCV004527979.1).